The following is an entry in ClinVar:

ClinVar aggregate classification (germline): Uncertain significance (1 of 4 stars; one submission).

Conditions:
PLXNA3-related disorder. Also called: PLXNA3-related condition.

Submission:

PreventionGenetics, part of Exact Sciences
Classification: Uncertain significance for PLXNA3-related condition. Last evaluated: 2026-02-24. Review status: criteria provided, single submitter. Criteria: ACMG Guidelines, 2015. Collection method: clinical testing. Allele origin: germline.
Comment: The PLXNA3 c.1946G>C variant is predicted to result in the amino acid substitution p.Gly649Ala. To our knowledge, this variant has not been reported in the literature or in a large population database (gnomAD), indicating this variant is rare. At this time, the clinical significance of this variant is uncertain due to the absence of conclusive functional and genetic evidence.

NM_017514.5(PLXNA3):c.1946G>C (p.Gly649Ala)

Gene: PLXNA3 (plexin A3; plus strand). Cytogenetic location: Xq28.
Variant type: single nucleotide variant.
Coding change: c.1946G>C on transcript NM_017514.5 (MANE Select); coding-DNA position 1946, G replaced by C.
Protein change: p.Gly649Ala; replaces glycine 649 with alanine.
Molecular consequence: missense variant.
Genome position (GRCh38, 1-based): chrX:154,464,771, G>C. VCF-style: chrX-154464771-G-C. GRCh37 (hg19) VCF-style: chrX-153693114-G-C.
Other names: short protein forms G649A.
Identifiers: ClinVar variation 4994972 (VCV004994972.1).